The following is an entry in ClinVar:

ClinVar aggregate classification (germline): Uncertain significance (1 of 4 stars; one submission).

Allele frequency attached by ClinVar (database versions not stated): gnomAD exomes below 0.00001.
gnomAD v4.1: 1 of 1,613,918 alleles (0.000062%); highest among the groups gnomAD compares: Non-Finnish European, 0.000085%; no homozygotes.

Submission:

Labcorp Genetics (formerly Invitae), Labcorp
Classification: Uncertain significance. Last evaluated: 2022-11-15. Review status: criteria provided, single submitter. Criteria: Invitae Variant Classification Sherloc (09022015). Collection method: clinical testing. Allele origin: germline.
Comment: This variant disrupts the p.Asp654 amino acid residue in OPA1. Other variant(s) that disrupt this residue have been determined to be pathogenic (PMID: 31500643, 32025183; Invitae). This suggests that this residue is clinically significant, and that variants that disrupt this residue are likely to be disease-causing. In summary, the available evidence is currently insufficient to determine the role of this variant in disease. Therefore, it has been classified as a Variant of Uncertain Significance. This sequence change replaces aspartic acid, which is acidic and polar, with asparagine, which is neutral and polar, at codon 654 of the OPA1 protein (p.Asp654Asn). This variant is not present in population databases (gnomAD no frequency). This variant has not been reported in the literature in individuals affected with OPA1-related conditions. Advanced modeling of protein sequence and biophysical properties (such as structural, functional, and spatial information, amino acid conservation, physicochemical variation, residue mobility, and thermodynamic stability) performed at Invitae indicates that this missense variant is expected to disrupt OPA1 protein function.

Literature cited by the submitters: PubMed 31500643; PubMed 32025183.

NM_130837.3(OPA1):c.2125G>A (p.Asp709Asn)

Gene: OPA1 (OPA1 mitochondrial dynamin like GTPase; plus strand). Cytogenetic location: 3q29.
Variant type: single nucleotide variant.
Coding change: c.2125G>A on transcript NM_130837.3 (MANE Select); coding-DNA position 2125, G replaced by A.
Protein change: p.Asp709Asn; replaces aspartic acid 709 with asparagine.
Molecular consequence: missense variant.
Genome position (GRCh38, 1-based): chr3:193,654,974, G>A. VCF-style: chr3-193654974-G-A. GRCh37 (hg19) VCF-style: chr3-193372763-G-A.
Other names: c.1591G>A, p.Asp531Asn (NM_001354663.2); c.1588G>A, p.Asp530Asn (NM_001354664.2); c.1960G>A, p.Asp654Asn (NM_015560.3); c.1852G>A, p.Asp618Asn (NM_130831.3); c.1906G>A, p.Asp636Asn (NM_130832.3); c.1963G>A, p.Asp655Asn (NM_130833.3); c.2014G>A, p.Asp672Asn (NM_130834.3); c.2017G>A, p.Asp673Asn (NM_130835.3); and 1 more; short protein forms D655N, D672N, D618N, D636N, D531N, D654N, D673N, D709N.
Identifiers: ClinVar variation 2808409 (VCV002808409.3), dbSNP rs2475018303, ClinGen allele CA355791212.